The following is an entry in ClinVar:

ClinVar aggregate classification (germline): Uncertain significance (1 of 4 stars; one submission).

Submission:

Labcorp Genetics (formerly Invitae), Labcorp
Classification: Uncertain significance. Last evaluated: 2025-01-15. Review status: criteria provided, single submitter. Criteria: Invitae Variant Classification Sherloc (09022015). Collection method: clinical testing. Allele origin: germline.
Comment: This sequence change replaces arginine, which is basic and polar, with glutamine, which is neutral and polar, at codon 11 of the RIMS1 protein (p.Arg11Gln). Information on the frequency of this variant in the gnomAD database is not available, as this variant may be reported differently in the database. This variant has not been reported in the literature in individuals affected with RIMS1-related conditions. ClinVar contains an entry for this variant (Variation ID: 2030245). An algorithm developed to predict the effect of missense changes on protein structure and function (PolyPhen-2) suggests that this variant is likely to be disruptive. In summary, the available evidence is currently insufficient to determine the role of this variant in disease. Therefore, it has been classified as a Variant of Uncertain Significance.

NM_014989.7(RIMS1):c.32_33delinsAA (p.Arg11Gln)

Gene: RIMS1 (regulating synaptic membrane exocytosis 1; plus strand). Cytogenetic location: 6q13.
Variant type: Indel.
Coding change: c.32_33delinsAA on transcript NM_014989.7 (MANE Select); coding-DNA positions 32 to 33, GC replaced by AA.
Protein change: p.Arg11Gln; replaces arginine 11 with glutamine.
Molecular consequence: missense variant.
Genome position (GRCh38, 1-based): chr6:71,887,055-71,887,056, GC replaced by AA. VCF-style: chr6-71887055-GC-AA. GRCh37 (hg19) VCF-style: chr6-72596758-GC-AA.
Other names: c.32_33delinsAA, p.Arg11Gln (NM_001350411.1, NM_001350412.1, NM_001350413.1); short protein forms R11Q.
Identifiers: ClinVar variation 2030245 (VCV002030245.4), dbSNP rs2550901559, ClinGen allele CA2580075723.